The following is an entry in ClinVar:

ClinVar aggregate classification (germline): Benign/Likely benign. Review status: criteria provided, multiple submitters, no conflicts (2 of 4 stars). 6 submissions from 6 submitters: Benign (1); Likely benign (5). Last evaluated 2026-01-16.

Conditions:
Cardiomyopathy (CMYO). Also called: Cardiomyopathies. Identifiers: Orphanet 167848, MedGen C0878544, MONDO:0004994, HP:0001638. Inheritance: Various modes of inheritance.
Hypertrophic cardiomyopathy. Also called: HYPERTROPHIC MYOCARDIOPATHY. Identifiers: Orphanet 217569, MedGen C0007194, MeSH D002312, MONDO:0005045, HP:0001639.

Allele frequency attached by ClinVar (database versions not stated): gnomAD 0.00001; TOPMed 0.00001.
gnomAD v4.1: 17 of 1,613,846 alleles (0.0011%); highest among the groups gnomAD compares: Admixed American, 0.0067%; no homozygotes.

Submissions (6):

Women's Health and Genetics/Laboratory Corporation of America, LabCorp
Classification: Likely benign. Last evaluated: 2026-01-16. Review status: criteria provided, single submitter. Criteria: LabCorp Variant Classification Summary - May 2015. Collection method: clinical testing. Allele origin: germline.

Labcorp Genetics (formerly Invitae), Labcorp
Classification: Likely benign for Hypertrophic cardiomyopathy. Last evaluated: 2024-11-11. Review status: criteria provided, single submitter. Criteria: Invitae Variant Classification Sherloc (09022015). Collection method: clinical testing. Allele origin: germline.

All of Us Research Program, National Institutes of Health
Classification: Likely benign for Cardiomyopathy. Last evaluated: 2023-12-13. Review status: criteria provided, single submitter. Criteria: ACMG Guidelines, 2015. Collection method: clinical testing. Allele origin: germline. Inheritance: Autosomal dominant inheritance. Observed: 6 variant alleles, 6 heterozygotes.
Comment: This study involves interpretation of variants in research participants for the purpose of population health screening. Participant phenotype was not available at the time of variant classification. Additional details can be found in publication PMID: 35346344, PMCID: PMC8962531

Blueprint Genetics
Classification: Likely benign. Last evaluated: 2020-10-14. Review status: criteria provided, single submitter. Criteria: ACMG Guidelines, 2015. Collection method: clinical testing. Allele origin: germline.

Color Diagnostics, LLC DBA Color Health
Classification: Likely benign for Cardiomyopathy. Last evaluated: 2018-09-29. Review status: criteria provided, single submitter. Criteria: ACMG Guidelines, 2015. Collection method: clinical testing. Allele origin: germline.

GeneDx
Classification: Benign. Last evaluated: 2011-07-31. Review status: criteria provided, single submitter. Criteria: GeneDx Variant Classification (06012015). Collection method: clinical testing. Allele origin: germline. Affected: yes.
Comment: This variant is considered likely benign or benign based on one or more of the following criteria: it is a conservative change, it occurs at a poorly conserved position in the protein, it is predicted to be benign by multiple in silico algorithms, and/or has population frequency not consistent with disease.

NM_000257.4(MYH7):c.2923-6C>T

Gene: MYH7 (myosin heavy chain 7; minus strand). Cytogenetic location: 14q11.2.
Variant type: single nucleotide variant.
Coding change: c.2923-6C>T on transcript NM_000257.4 (MANE Select); 6 bases into the intron before coding-DNA position 2923, C replaced by T.
Molecular consequence: intron variant.
Genome position (GRCh38, 1-based): chr14:23,423,729, G>A on the plus strand (C>T on the coding strand, the complement: MYH7 is on the minus strand). VCF-style: chr14-23423729-G-A. GRCh37 (hg19) VCF-style: chr14-23892938-G-A.
Other names: c.2923-6C>T (LRG_384t1).
Identifiers: ClinVar variation 138376 (VCV000138376.16), dbSNP rs587781082, ClinGen allele CA013215.
Genomic context (GRCh38, chr14:23,423,729, plus strand): 5'-TCAGCTTGGCAATGATCTCATCCAGCCCAGCCATCTCCTCTGTCAGGTTTTTCACCTGCC[G>A]ACCAAGAATCCCATCTCCTTTAGGGTCAAAGGTCACCAGCTTGGTGCCATCTGTGGGGAG-3'